The following is an entry in ClinVar:

NM_001257293.2(HNRNPH1):c.390C>G (p.Phe130Leu)

Genes: HNRNPH1 (heterogeneous nuclear ribonucleoprotein H1; minus strand), LOC128966623 (uncharacterized LOC128966623; plus strand). Cytogenetic location: 5q35.3.
Variant type: single nucleotide variant.
Coding change: c.390C>G on transcript NM_001257293.2 (MANE Select); coding-DNA position 390, C replaced by G.
Protein change: p.Phe130Leu; replaces phenylalanine 130 with leucine.
Molecular consequence: missense variant. On other transcripts: 5 prime UTR variant (7).
Genome position (GRCh38, 1-based): chr5:179,620,899, G>C on the plus strand (C>G on the coding strand, the complement: HNRNPH1 is on the minus strand). VCF-style: chr5-179620899-G-C. GRCh37 (hg19) VCF-style: chr5-179047900-G-C.
Other names: c.390C>G, p.Phe130Leu (NM_001363572.2, NM_001364225.2, NM_001364226.2 and 39 more transcripts); c.234C>G, p.Phe78Leu (NM_001364250.2); c.-75C>G (NM_001364251.2, NM_001364252.2, NM_001364253.2 and 4 more transcripts); c.159C>G, p.Phe53Leu (NM_001395190.1); short protein forms F130L, F53L, F78L.
Identifiers: ClinVar variation 2499365 (VCV002499365.1), dbSNP rs2127671660, ClinGen allele CA362439428.
Genomic context (GRCh38, chr5:179,620,899, plus strand): 5'-CTTGCCATAAGCTAGCCAAAACTCACTGCTCAGCAACAAACATGACTACATACCTGAGAA[G>C]AACTGAACAATTTCTTCCTTGCTACATCCAAAGGGAAGTCCTCTAAGCCGTACAAAGCCA-3'
Protein context (NP_001244222.1, residues 120-140): FGCSKEEIVQ[Phe130Leu]FSGLEIVPNG

ClinVar aggregate classification (germline): Uncertain significance (1 of 4 stars; one submission).

Submission:

GeneDx
Classification: Uncertain significance. Last evaluated: 2022-10-13. Review status: criteria provided, single submitter. Criteria: GeneDx Variant Classification Process June 2021. Collection method: clinical testing. Allele origin: germline. Affected: yes.
Comment: Not observed at significant frequency in large population cohorts (gnomAD); In silico analysis supports that this missense variant has a deleterious effect on protein structure/function; Has not been previously published as pathogenic or benign to our knowledge